The following is an entry in ClinVar:

ClinVar aggregate classification (germline): Benign/Likely benign. Review status: criteria provided, multiple submitters, no conflicts (2 of 4 stars). 3 submissions from 3 submitters: Benign (1); Likely benign (2). Last evaluated 2024-09-09.

Allele frequency attached by ClinVar (database versions not stated): gnomAD exomes 0.00008 and 0.00018; ExAC 0.00021; ESP Exome Variant Server 0.00023; gnomAD 0.00094 and 0.00106; TOPMed 0.00111.
gnomAD v4.1: 263 of 1,614,030 alleles (0.016%); highest among the groups gnomAD compares: African/African-American, 0.3%; 1 homozygote.

Submissions (3):

Blueprint Genetics
Classification: Likely benign. Last evaluated: 2024-09-09. Review status: criteria provided, single submitter. Criteria: ACMG Guidelines, 2015. Collection method: clinical testing. Allele origin: germline.

GeneDx
Classification: Likely benign. Last evaluated: 2020-09-19. Review status: criteria provided, single submitter. Criteria: GeneDx Variant Classification Process June 2021. Collection method: clinical testing. Allele origin: germline. Affected: yes.

Laboratory for Molecular Medicine, Mass General Brigham Personalized Medicine
Classification: Benign. Last evaluated: 2015-06-08. Review status: criteria provided, single submitter. Criteria: LMM Criteria. Collection method: clinical testing. Allele origin: germline. Observed: 1 variant allele.
Comment: c.2431+11T>C in intron 21 of OTOA: This variant is not expected to have clinical significance because it is not located within the splice consensus sequence. It has been identified in 0.2% (21/10400) of African chromosomes by the Exome Aggr egation Consortium (ExAC; dbSNP rs463192).

NM_144672.4(OTOA):c.2431+11T>C

Gene: OTOA (otoancorin). Cytogenetic location: 16p12.2.
Variant type: single nucleotide variant.
Coding change: c.2431+11T>C on transcript NM_144672.4 (MANE Select); 11 bases into the intron after coding-DNA position 2431, T replaced by C.
Molecular consequence: intron variant.
Genome position (GRCh38, 1-based): chr16:21,736,401, T>C. VCF-style: chr16-21736401-T-C. GRCh37 (hg19) VCF-style: chr16-21747722-T-C.
Other names: c.2194+11T>C (NM_001161683.2); c.1459+11T>C (NM_170664.3).
Identifiers: ClinVar variation 226856 (VCV000226856.9), dbSNP rs463192, ClinGen allele CA7952981.
Genomic context (GRCh38, chr16:21,736,401, plus strand): 5'-GTCTGTTCGGAACAGCAGTGATAAGATCCCCAGCTATGACCCTATGCCTGGTGAGTGTTT[T>C]CAGGGTATCTGAGCCATTGCTGACATAGTAATTAATGTTTTGGGCAGGGTCCCTGACATC-3'